The following is an entry in ClinVar:

ClinVar aggregate classification (germline): Likely pathogenic (1 of 4 stars; one submission).

Conditions:
Wilson disease (WND). Also called: Wilson's disease. Identifiers: Orphanet 905, MedGen C0019202, MONDO:0010200, OMIM 277900. Disease mechanism: loss of function.

gnomAD v4.1: 1 of 1,614,206 alleles (0.000062%); highest among the groups gnomAD compares: Non-Finnish European, 0.000085%; no homozygotes.

Submission:

Lildballe Lab, Aarhus University Hospital
Classification: Likely pathogenic for Wilson disease. Last evaluated: 2024-08-29. Review status: criteria provided, single submitter. Criteria: ACMG Guidelines, 2015. Collection method: clinical testing. Allele origin: germline. Affected: yes.
Comment: PM1, PP2,PM2, PM5,PP3

NM_000053.4(ATP7B):c.2279C>A (p.Pro760His)

Gene: ATP7B (ATPase copper transporting beta; minus strand). Cytogenetic location: 13q14.3.
Variant type: single nucleotide variant.
Coding change: c.2279C>A on transcript NM_000053.4 (MANE Select); coding-DNA position 2279, C replaced by A.
Protein change: p.Pro760His; replaces proline 760 with histidine.
Molecular consequence: missense variant. On other transcripts: intron variant (14).
Genome position (GRCh38, 1-based): chr13:51,958,387, G>T on the plus strand (C>A on the coding strand, the complement: ATP7B is on the minus strand). VCF-style: chr13-51958387-G-T. GRCh37 (hg19) VCF-style: chr13-52532523-G-T.
Other names: c.2279C>A, p.Pro760His (NM_001406519.1, NM_001406523.1, NM_001406525.1 and 7 more transcripts); c.2135C>A, p.Pro712His (NM_001406520.1, NM_001406521.1, NM_001406522.1 and 1 more transcripts); c.2102C>A, p.Pro701His (NM_001406524.1); c.2039C>A, p.Pro680His (NM_001406530.1); c.2027C>A, p.Pro676His (NM_001406531.1, NM_001330579.2, NM_001406532.1 and 1 more transcripts); c.1946C>A, p.Pro649His (NM_001243182.2); c.2246C>A, p.Pro749His (NM_001406514.1); c.2183C>A, p.Pro728His (NM_001406517.1, NM_001406518.1); and 8 more; short protein forms P680H, P712H, P644H, P649H, P749H, P676H, P617H, P701H.
Identifiers: ClinVar variation 4540620 (VCV004540620.1).